The following is an entry in ClinVar:

NM_004612.4(TGFBR1):c.199C>T (p.His67Tyr)

Gene: TGFBR1 (transforming growth factor beta receptor 1; plus strand). Cytogenetic location: 9q22.33.
Variant type: single nucleotide variant.
Coding change: c.199C>T on transcript NM_004612.4 (MANE Select); coding-DNA position 199, C replaced by T.
Protein change: p.His67Tyr; replaces histidine 67 with tyrosine.
Molecular consequence: missense variant.
Genome position (GRCh38, 1-based): chr9:99,128,956, C>T. VCF-style: chr9-99128956-C-T. GRCh37 (hg19) VCF-style: chr9-101891238-C-T.
Other names: c.199C>T, p.His67Tyr (NM_001130916.3, NM_001306210.2); short protein forms H67Y.
Identifiers: ClinVar variation 618428 (VCV000618428.25), dbSNP rs766157497, ClinGen allele CA041200.
Genomic context (GRCh38, chr9:99,128,956, plus strand): 5'-ACTTGTGTGACAGATGGGCTCTGCTTTGTCTCTGTCACAGAGACCACAGACAAAGTTATA[C>T]ACAACAGCATGTGTATAGCTGAAATTGACTTAATTCCTCGAGATAGGCCGTTTGTATGTG-3'
Protein context (NP_004603.1, residues 57-77): SVTETTDKVI[His67Tyr]NSMCIAEIDL

ClinVar aggregate classification (germline): Conflicting classifications of pathogenicity. Review status: criteria provided, conflicting classifications (1 of 4 stars). 7 submissions from 7 submitters: Uncertain significance (6); Likely benign (1). Last evaluated 2024-03-05.

Conditions:
Loeys-Dietz syndrome (LDS). Identifiers: Orphanet 60030, MedGen C2697932, MONDO:0018954.
Loeys-Dietz syndrome 1 (LDS1). Also called: TGFBR1-Related Loeys-Dietz Syndrome; AORTIC ANEURYSM, FAMILIAL THORACIC 5; FURLONG SYNDROME. Identifiers: Orphanet 60030, MedGen C4551955, MONDO:0012212, OMIM 609192.
Multiple self-healing squamous epithelioma (MSSE). Also called: MULTIPLE SELF-HEALING SQUAMOUS EPITHELIOMA, SUSCEPTIBILITY TO. Identifiers: Orphanet 65748, MedGen C0546476, MONDO:0007566, OMIM 132800.
Familial thoracic aortic aneurysm and aortic dissection (TAAD). Also called: Thoracic aortic aneurysms and dissections. Identifiers: Orphanet 91387, MedGen C4707243, MONDO:0019625.

Allele frequency attached by ClinVar (database versions not stated): ExAC 0.00001; gnomAD exomes 0.00001; gnomAD 0.00002; TOPMed 0.00002.
gnomAD v4.1: 12 of 1,613,858 alleles (0.00074%); highest among the groups gnomAD compares: African/African-American, 0.016%; no homozygotes.

Submissions (7):

All of Us Research Program, National Institutes of Health
Classification: Uncertain significance for Loeys-Dietz syndrome. Last evaluated: 2024-03-05. Review status: criteria provided, single submitter. Criteria: ACMG Guidelines, 2015. Collection method: clinical testing. Allele origin: germline. Inheritance: Autosomal dominant inheritance. Observed: 3 variant alleles, 3 heterozygotes.
Comment: This missense variant replaces histidine with tyrosine at codon 67 of the TGFBR1 protein. Computational prediction suggests that this variant may not impact protein structure and function (internally defined REVEL score threshold <= 0.5, PMID: 27666373). Splice site prediction tools suggest that this variant may not impact RNA splicing. To our knowledge, functional studies have not been performed for this variant. This variant has not been reported in individuals affected with cardiovascular disorders in the literature. This variant has not been identified in the general population by the Genome Aggregation Database (gnomAD). The available evidence is insufficient to determine the role of this variant in disease conclusively. Therefore, this variant is classified as a Variant of Uncertain Significance.

This study involves interpretation of variants in research participants for the purpose of population health screening. Participant phenotype was not available at the time of variant classification. Additional details can be found in publication PMID: 35346344, PMCID: PMC8962531

Labcorp Genetics (formerly Invitae), Labcorp
Classification: Likely benign for Familial thoracic aortic aneurysm and aortic dissection. Last evaluated: 2023-12-07. Review status: criteria provided, single submitter. Criteria: Invitae Variant Classification Sherloc (09022015). Collection method: clinical testing. Allele origin: germline.

Color Diagnostics, LLC DBA Color Health
Classification: Uncertain significance for Familial thoracic aortic aneurysm and aortic dissection. Last evaluated: 2023-11-22. Review status: criteria provided, single submitter. Criteria: ACMG Guidelines, 2015. Collection method: clinical testing. Allele origin: germline.
Comment: This missense variant replaces histidine with tyrosine at codon 67 of the TGFBR1 protein. Computational prediction suggests that this variant may have a neutral impact on protein structure and function. To our knowledge, functional studies have not been reported for this variant. This variant has not been reported in individuals affected with TGFBR1-related disorders in the literature. This variant has been identified in 2/250852 chromosomes in the general population by the Genome Aggregation Database (gnomAD). The available evidence is insufficient to determine the role of this variant in disease conclusively. Therefore, this variant is classified as a Variant of Uncertain Significance.

Fulgent Genetics
Classification: Uncertain significance for Multiple self-healing squamous epithelioma; Loeys-Dietz syndrome 1. Last evaluated: 2021-09-16. Review status: criteria provided, single submitter. Criteria: ACMG Guidelines, 2015. Collection method: clinical testing. Allele origin: unknown.

Ambry Genetics
Classification: Uncertain significance for Familial thoracic aortic aneurysm and aortic dissection. Last evaluated: 2021-08-07. Review status: criteria provided, single submitter. Criteria: Ambry Variant Classification Scheme 2023. Collection method: clinical testing. Allele origin: germline.
Comment: The p.H67Y variant (also known as c.199C>T), located in coding exon 2 of the TGFBR1 gene, results from a C to T substitution at nucleotide position 199. The histidine at codon 67 is replaced by tyrosine, an amino acid with similar properties. This amino acid position is conserved. In addition, the in silico prediction for this alteration is inconclusive. Since supporting evidence is limited at this time, the clinical significance of this alteration remains unclear.

Women's Health and Genetics/Laboratory Corporation of America, LabCorp
Classification: Uncertain significance. Last evaluated: 2017-11-20. Review status: criteria provided, single submitter. Criteria: LabCorp Variant Classification Summary - May 2015. Collection method: clinical testing. Allele origin: germline.
Comment: Variant summary: The TGFBR1 c.199C>T (p.His67Tyr) variant involves the alteration of a conserved nucleotide. 3/4 in silico tools predict a benign outcome for this variant (SNPsandGO not captured due to low reliability index). This variant was found in 2/214840 control chromosomes, predominantly observed in the African subpopulation at a frequency of 0.000131 (2/15300). This frequency is about 75 times the estimated maximal expected allele frequency of a pathogenic TGFBR1 variant (0.0000018), suggesting this is possibly a benign polymorphism found primarily in the populations of African origin, although the allele number is small. The variant of interest has not, to our knowledge, been reported in affected individuals via publications and clinical diagnostic laboratories; nor evaluated for functional impact by in vivo/vitro studies. Taken together, this variant is classified as VUS-possibly benign.

ARUP Laboratories, Molecular Genetics and Genomics, ARUP Laboratories
Classification: Uncertain significance. Last evaluated: 2017-10-10. Review status: criteria provided, single submitter. Criteria: ARUP Molecular Germline Variant Investigation Process. Collection method: clinical testing. Allele origin: germline.